The following is an entry in ClinVar:

NM_178857.6(RP1L1):c.5348C>T (p.Ala1783Val)

Gene: RP1L1 (RP1 like 1). Cytogenetic location: 8p23.1.
Variant type: single nucleotide variant.
Coding change: c.5348C>T on transcript NM_178857.6 (MANE Select); coding-DNA position 5348, C replaced by T.
Protein change: p.Ala1783Val; replaces alanine 1783 with valine.
Molecular consequence: missense variant.
Genome position (GRCh38, 1-based): chr8:10,608,750, G>A on the plus strand (C>T on the coding strand, the complement: RP1L1 is on the minus strand). VCF-style: chr8-10608750-G-A. GRCh37 (hg19) VCF-style: chr8-10466260-G-A.
Other names: short protein forms A1783V.
Identifiers: ClinVar variation 361254 (VCV000361254.8), dbSNP rs374403002, ClinGen allele CA4623685.
Genomic context (GRCh38, chr8:10,608,750, plus strand): 5'-GTTTCTCCCCTTTCACTTATGCCCTCTCCCTCCTGCTCAGCTTCCCCCAACTCACTGCCC[G>A]CACTGGTTTCACTGTTGTGGGTTTTCCCTTCTCTCTCCTGAGCCATTGCATCTCCCTCTG-3'
Protein context (NP_849188.4, residues 1773-1793): EGKTHNSETS[Ala1783Val]GSELGEAEQE

ClinVar aggregate classification (germline): Conflicting classifications of pathogenicity. Review status: criteria provided, conflicting classifications (1 of 4 stars). 4 submissions from 4 submitters: Uncertain significance (1); Benign (1); Likely benign (2). Last evaluated 2026-07-07.

Conditions:
Inborn genetic diseases. Identifiers: MedGen C0950123, MeSH D030342.
Occult macular dystrophy (OCMD). Also called: OCCULT MACULAR DYSTROPHY, SUSCEPTIBILITY TO; OMD. Identifiers: Orphanet 247834, MedGen C3150833, MONDO:0013316, OMIM 613587, HP:0030636.
RP1L1-related disorder. Also called: RP1L1-related condition.

Allele frequency attached by ClinVar (database versions not stated): ESP Exome Variant Server 0.00008; TOPMed 0.00008; gnomAD exomes 0.00014; ExAC 0.00021; 1000 Genomes Project 30x 0.00031; 1000 Genomes Project 0.00040.
gnomAD v4.1: 134 of 1,614,124 alleles (0.0083%); highest among the groups gnomAD compares: South Asian, 0.11%; 1 homozygote.

Submissions (4):

PreventionGenetics, part of Exact Sciences
Classification: Uncertain significance for RP1L1-related condition. Last evaluated: 2026-07-07. Review status: criteria provided, single submitter. Criteria: ACMG Guidelines, 2015. Collection method: clinical testing. Allele origin: germline.
Comment: The RP1L1 c.5348C>T variant is predicted to result in the amino acid substitution p.Ala1783Val. To our knowledge, this variant has not been reported in the literature. This variant is reported in 0.10% of alleles in individuals of South Asian descent in gnomAD, which may be too frequent to be a primary cause of disease. Although we suspect that this variant may be benign, at this time, the clinical significance of this variant is uncertain due to the absence of conclusive functional and genetic evidence.

Ambry Genetics
Classification: Likely benign for Inborn genetic diseases. Last evaluated: 2025-12-11. Review status: criteria provided, single submitter. Criteria: Ambry Variant Classification Scheme 2023. Collection method: clinical testing. Allele origin: germline.

Blueprint Genetics
Classification: Likely benign. Last evaluated: 2024-11-27. Review status: criteria provided, single submitter. Criteria: ACMG Guidelines, 2015. Collection method: clinical testing. Allele origin: germline.

Illumina Laboratory Services, Illumina
Classification: Benign for Occult macular dystrophy. Last evaluated: 2018-01-12. Review status: criteria provided, single submitter. Criteria: ICSL Variant Classification Criteria 13 December 2019. Collection method: clinical testing. Allele origin: germline.
Comment: This variant was observed in the ICSL laboratory as part of a predisposition screen in an ostensibly healthy population. It had not been previously curated by ICSL or reported in the Human Gene Mutation Database (HGMD: prior to June 1st, 2018), and was therefore a candidate for classification through an automated scoring system. Utilizing variant allele frequency, disease prevalence and penetrance estimates, and inheritance mode, an automated score was calculated to assess if this variant is too frequent to cause the disease. Based on the score and internal cut-off values, a variant classified as benign is not then subjected to further curation. The score for this variant resulted in a classification of benign for this disease.